The following is an entry in ClinVar:

ClinVar aggregate classification (germline): Benign/Likely benign. Review status: criteria provided, multiple submitters, no conflicts (2 of 4 stars). 4 submissions from 4 submitters: Benign (2); Likely benign (1). 1 of the submissions does not count toward it. Last evaluated 2026-02-04.

Allele frequency attached by ClinVar (database versions not stated): gnomAD exomes 0.20974 and 0.25695; ESP Exome Variant Server 0.21221; TOPMed 0.23408; gnomAD 0.23461 and 0.24325; ExAC 0.25518; 1000 Genomes Project 30x 0.33245; 1000 Genomes Project 0.33986.
gnomAD v4.1: 320,846 of 1,504,142 alleles (21%); highest among the groups gnomAD compares: South Asian, 41%; 39,102 homozygotes.

Submissions (4):

Labcorp Genetics (formerly Invitae), Labcorp
Classification: Benign. Last evaluated: 2026-02-04. Review status: criteria provided, single submitter. Criteria: Invitae Variant Classification Sherloc (09022015). Collection method: clinical testing. Allele origin: germline.

Blueprint Genetics
Classification: Likely benign. Last evaluated: 2024-11-27. Review status: criteria provided, single submitter. Criteria: ACMG Guidelines, 2015. Collection method: clinical testing. Allele origin: germline.

GeneDx
Classification: Benign. Last evaluated: 2018-11-12. Review status: criteria provided, single submitter. Criteria: GeneDx Variant Classification Process June 2021. Collection method: clinical testing. Allele origin: germline. Affected: yes.

Genetic Services Laboratory, University of Chicago
Classification: Likely benign for AllHighlyPenetrant. Review status: no assertion criteria provided. Collection method: clinical testing. Allele origin: germline. Inheritance: Autosomal recessive inheritance. Not counted in ClinVar's aggregate classification.
Comment: Likely benign based on allele frequency in 1000 Genomes Project or ESP global frequency and its presence in a patient with a rare or unrelated disease phenotype. NOT Sanger confirmed.

NM_173560.4(RFX6):c.1542T>C (p.Asn514=)

Gene: RFX6 (regulatory factor X6; plus strand). Cytogenetic location: 6q22.1.
Variant type: single nucleotide variant.
Coding change: c.1542T>C on transcript NM_173560.4 (MANE Select); coding-DNA position 1542, T replaced by C.
Protein change: p.Asn514=; no amino-acid change (asparagine 514 retained).
Molecular consequence: synonymous variant.
Genome position (GRCh38, 1-based): chr6:116,923,211, T>C. VCF-style: chr6-116923211-T-C. GRCh37 (hg19) VCF-style: chr6-117244374-T-C.
Identifiers: ClinVar variation 130151 (VCV000130151.16), dbSNP rs7770158, ClinGen allele CA154958.